The following is an entry in ClinVar:

NM_000051.4(ATM):c.6688A>G (p.Ile2230Val)

Genes: ATM (ATM serine/threonine kinase; plus strand), C11orf65 (chromosome 11 open reading frame 65; minus strand). Cytogenetic location: 11q22.3.
Variant type: single nucleotide variant.
Coding change: c.6688A>G on transcript NM_000051.4 (MANE Select); coding-DNA position 6688, A replaced by G.
Protein change: p.Ile2230Val; replaces isoleucine 2230 with valine.
Molecular consequence: missense variant. On other transcripts: intron variant (2).
Genome position (GRCh38, 1-based): chr11:108,325,425, A>G. VCF-style: chr11-108325425-A-G. GRCh37 (hg19) VCF-style: chr11-108196152-A-G.
Other names: c.6688A>G, p.Ile2230Val (NM_001351834.2); c.641-16354T>C (NM_001330368.2); c.*38+9795T>C (NM_001351110.2); short protein forms I2230V.
Identifiers: ClinVar variation 3720471 (VCV003720471.2).

ClinVar aggregate classification (germline): Uncertain significance (1 of 4 stars; one submission).

Conditions:
Ataxia-telangiectasia syndrome (AT). Also called: Ataxia-telangiectasia, complementation group D; AT, COMPLEMENTATION GROUP C; ATAXIA-TELANGIECTASIA, COMPLEMENTATION GROUP A; ATAXIA-TELANGIECTASIA, FRESNO VARIANT; Ataxia-telangiectasia; Ataxia-telangiectasia, complementation group E. Identifiers: Orphanet 100, MedGen C0004135, MONDO:0008840, OMIM 208900.

gnomAD v4.1: 1 of 1,613,858 alleles (0.000062%); highest among the groups gnomAD compares: Non-Finnish European, 0.000085%; no homozygotes.

Submission:

Labcorp Genetics (formerly Invitae), Labcorp
Classification: Uncertain significance for Ataxia-telangiectasia syndrome. Last evaluated: 2025-01-17. Review status: criteria provided, single submitter. Criteria: Invitae Variant Classification Sherloc (09022015). Collection method: clinical testing. Allele origin: germline.
Comment: This sequence change replaces isoleucine, which is neutral and non-polar, with valine, which is neutral and non-polar, at codon 2230 of the ATM protein (p.Ile2230Val). This variant is not present in population databases (gnomAD no frequency). This variant has not been reported in the literature in individuals affected with ATM-related conditions. Invitae Evidence Modeling of protein sequence and biophysical properties (such as structural, functional, and spatial information, amino acid conservation, physicochemical variation, residue mobility, and thermodynamic stability) indicates that this missense variant is not expected to disrupt ATM protein function with a negative predictive value of 95%. In summary, the available evidence is currently insufficient to determine the role of this variant in disease. Therefore, it has been classified as a Variant of Uncertain Significance.